The following is an entry in ClinVar:

NM_000038.6(APC):c.4521T>G (p.Ser1507Arg)

Gene: APC (APC regulator of Wnt signaling pathway; plus strand). Cytogenetic location: 5q22.2.
Variant type: single nucleotide variant.
Coding change: c.4521T>G on transcript NM_000038.6 (MANE Select); coding-DNA position 4521, T replaced by G.
Protein change: p.Ser1507Arg; replaces serine 1507 with arginine.
Molecular consequence: missense variant. On other transcripts: non-coding transcript variant (2).
Genome position (GRCh38, 1-based): chr5:112,840,115, T>G. VCF-style: chr5-112840115-T-G. GRCh37 (hg19) VCF-style: chr5-112175812-T-G.
Other names: c.4521T>G, p.Ser1507Arg (NM_001127510.3, NM_001354895.2, NM_001407450.1); c.4467T>G, p.Ser1489Arg (NM_001127511.3); c.4575T>G, p.Ser1525Arg (NM_001354896.2, NM_001407447.1, NM_001407448.1 and 1 more transcripts); c.4551T>G, p.Ser1517Arg (NM_001354897.2); c.4446T>G, p.Ser1482Arg (NM_001354898.2); c.4437T>G, p.Ser1479Arg (NM_001354899.2); c.4398T>G, p.Ser1466Arg (NM_001354900.2); c.4344T>G, p.Ser1448Arg (NM_001354901.2, NM_001407453.1); and 11 more; short protein forms S1347R, S1424R, S1489R, S1535R, S1123R, S1448R, S1482R, S1517R.
Identifiers: ClinVar variation 4579329 (VCV004579329.1).

ClinVar aggregate classification (germline): Uncertain significance (1 of 4 stars; one submission).

Conditions:
Hereditary cancer-predisposing syndrome. Also called: Neoplastic Syndromes, Hereditary; Tumor predisposition; Hereditary Cancer Syndrome; Hereditary neoplastic syndrome. Identifiers: Orphanet 140162, MedGen C0027672, MeSH D009386, MONDO:0015356.

Submission:

Ambry Genetics
Classification: Uncertain significance for Hereditary cancer-predisposing syndrome. Last evaluated: 2025-10-02. Review status: criteria provided, single submitter. Criteria: Ambry Variant Classification Scheme 2023. Collection method: clinical testing. Allele origin: germline.
Comment: The p.S1507R variant (also known as c.4521T>G), located in coding exon 15 of the APC gene, results from a T to G substitution at nucleotide position 4521. The serine at codon 1507 is replaced by arginine, an amino acid with dissimilar properties. This amino acid position is highly conserved in available vertebrate species. In addition, in silico predictors for this gene do not accurately predict pathogenicity. Missense variants in APC are not a common cause of disease (Spier I et al. Genet Med. 2024 Feb;26(2):100992). Based on the available evidence, the clinical significance of this variant remains unclear.